The following is an entry in ClinVar:

NC_000017.10:g.(?_41277268)_(41277500_?)del

Gene: BRCA1 (BRCA1 DNA repair associated; minus strand). Cytogenetic location: 17q21.31.
Variant type: Deletion.
Identifiers: ClinVar variation 1007863 (VCV001007863.1).

ClinVar aggregate classification (germline): Uncertain significance (1 of 4 stars; one submission).

Conditions:
Hereditary breast ovarian cancer syndrome. Also called: BRCA1- and BRCA2-Associated Hereditary Breast and Ovarian Cancer; Hereditary breast and ovarian cancer; Hereditary breast and ovarian cancer syndrome; Breast and ovarian cancer; Hereditary breast and/or ovarian cancer syndrome; Hereditary breast and ovarian cancer syndrome (HBOC). Identifiers: Orphanet 145, MedGen C0677776, MeSH D061325, MONDO:0003582. Disease mechanism: loss of function.

Submission:

Labcorp Genetics (formerly Invitae), Labcorp
Classification: Uncertain significance for Hereditary breast ovarian cancer syndrome. Last evaluated: 2020-10-21. Review status: criteria provided, single submitter. Criteria: Invitae Variant Classification Sherloc (09022015). Collection method: clinical testing. Allele origin: germline.
Comment: This variant occurs in a non-coding region of the BRCA1 gene. It does not change the encoded amino acid sequence of the BRCA1 protein. This variant has been observed in individual(s) with breast or ovarian cancer (PMID: 28595730). Experimental studies and prediction algorithms are not available for this variant, and the functional significance of this non-coding change is currently unknown. In summary, the available evidence is currently insufficient to determine the role of this variant in disease. Therefore, it has been classified as a Variant of Uncertain Significance.

Literature cited by the submitters: PubMed 28595730.